The following is an entry in ClinVar:

NM_007187.5(WBP4):c.15del (p.Tyr4_Trp5insTer)

Gene: WBP4 (WW domain binding protein 4; plus strand). Cytogenetic location: 13q14.11.
Variant type: Deletion.
Coding change: c.15del on transcript NM_007187.5 (MANE Select); coding-DNA position 15, one base deleted (G; older notation c.15delG).
Protein change: p.Tyr4_Trp5insTer.
Molecular consequence: nonsense.
Genome position (GRCh38, 1-based): chr13:41,062,656, G deleted; the last of 2 consecutive G bases (chr13:41,062,655-41,062,656); deleting either gives the same sequence. VCF-style (leftmost placement, unchanged base first): chr13-41062654-TG-T. GRCh37 (hg19) VCF-style: chr13-41636790-TG-T.
Other names: c.15delG (NM_007187.5).
Identifiers: ClinVar variation 4845694 (VCV004845694.1).
Genomic context (GRCh38, chr13:41,062,654, plus strand): 5'-ACCTTTTTTAAGTTTTACATGAGCTTAGCCTTGTTGTCTCTCTTTTTCAGGGCGGACTAC[TG>T]GAAGTCACAGCCAAAGAAATTCTGTGATTACTGCAAGTGCTGGATAGCAGACAATAGGCC-3'

ClinVar aggregate classification (germline): Likely pathogenic (1 of 4 stars; one submission).

Conditions:
Neurodevelopmental disorder with hypotonia, feeding difficulties, facial dysmorphism, and brain abnormalities. Identifiers: MedGen C5935629, MONDO:0971043, OMIM 620852.

Submission:

First Genomix Gene Laboratory, Genetic Diagnostics Department
Classification: Likely pathogenic for Neurodevelopmental disorder with hypotonia, feeding difficulties, facial dysmorphism, and brain abnormalities. Last evaluated: 2025-01-16. Review status: criteria provided, single submitter. Criteria: ACMG Guidelines, 2015. Collection method: clinical testing. Allele origin: germline. Inheritance: Autosomal recessive inheritance. Affected: no. Observed: 1 variant allele.